The following is an entry in ClinVar:

NM_000059.4(BRCA2):c.6711T>C (p.Asp2237=)

Gene: BRCA2 (BRCA2 DNA repair associated; plus strand). Cytogenetic location: 13q13.1.
Variant type: single nucleotide variant.
Coding change: c.6711T>C on transcript NM_000059.4 (MANE Select); coding-DNA position 6711, T replaced by C.
Protein change: p.Asp2237=; no amino-acid change (aspartic acid 2237 retained).
Molecular consequence: synonymous variant.
Genome position (GRCh38, 1-based): chr13:32,341,066, T>C. VCF-style: chr13-32341066-T-C. GRCh37 (hg19) VCF-style: chr13-32915203-T-C.
Identifiers: ClinVar variation 511147 (VCV000511147.11), dbSNP rs1555284808, ClinGen allele CA483275217.

ClinVar aggregate classification (germline): Likely benign. Review status: criteria provided, multiple submitters, no conflicts (2 of 4 stars). 3 submissions from 3 submitters: Likely benign (3). Last evaluated 2024-06-17.

Conditions:
Hereditary breast ovarian cancer syndrome. Also called: Hereditary breast and ovarian cancer syndrome; Breast and ovarian cancer; BRCA1- and BRCA2-Associated Hereditary Breast and Ovarian Cancer; Hereditary breast and ovarian cancer syndrome (HBOC); Hereditary breast and/or ovarian cancer syndrome; Hereditary breast and ovarian cancer. Identifiers: Orphanet 145, MedGen C0677776, MeSH D061325, MONDO:0003582. Disease mechanism: loss of function.
Hereditary cancer-predisposing syndrome. Also called: Hereditary neoplastic syndrome; Hereditary Cancer Syndrome; Neoplastic Syndromes, Hereditary; Tumor predisposition. Identifiers: Orphanet 140162, MedGen C0027672, MeSH D009386, MONDO:0015356.

Allele frequency attached by ClinVar (database versions not stated): gnomAD 0.00001.
gnomAD v4.1: 1 of 1,613,862 alleles (0.000062%); highest among the groups gnomAD compares: African/African-American, 0.0013%; no homozygotes.

Submissions (3):

Ambry Genetics
Classification: Likely benign for Hereditary cancer-predisposing syndrome. Last evaluated: 2024-06-17. Review status: criteria provided, single submitter. Criteria: Ambry Variant Classification Scheme 2023. Collection method: clinical testing. Allele origin: germline.

Labcorp Genetics (formerly Invitae), Labcorp
Classification: Likely benign for Hereditary breast ovarian cancer syndrome. Last evaluated: 2022-06-28. Review status: criteria provided, single submitter. Criteria: Invitae Variant Classification Sherloc (09022015). Collection method: clinical testing. Allele origin: germline.

GeneDx
Classification: Likely benign. Last evaluated: 2017-07-27. Review status: criteria provided, single submitter. Criteria: GeneDx Variant Classification (06012015). Collection method: clinical testing. Allele origin: germline. Affected: yes.
Comment: This variant is considered likely benign or benign based on one or more of the following criteria: it is a conservative change, it occurs at a poorly conserved position in the protein, it is predicted to be benign by multiple in silico algorithms, and/or has population frequency not consistent with disease.